The following is an entry in ClinVar:

ClinVar aggregate classification (germline): Uncertain significance (1 of 4 stars; one submission).

Submission:

GeneDx
Classification: Uncertain significance. Last evaluated: 2022-12-21. Review status: criteria provided, single submitter. Criteria: GeneDx Variant Classification Process June 2021. Collection method: clinical testing. Allele origin: germline. Affected: yes.
Comment: Not observed at significant frequency in large population cohorts (gnomAD); In silico analysis supports that this missense variant has a deleterious effect on protein structure/function; Has not been previously published as pathogenic or benign to our knowledge

NM_001242896.3(DEPDC5):c.799T>A (p.Trp267Arg)

Gene: DEPDC5 (DEP domain containing 5, GATOR1 subcomplex subunit; plus strand). Cytogenetic location: 22q12.2.
Variant type: single nucleotide variant.
Coding change: c.799T>A on transcript NM_001242896.3 (MANE Select); coding-DNA position 799, T replaced by A.
Protein change: p.Trp267Arg; replaces tryptophan 267 with arginine.
Molecular consequence: missense variant. On other transcripts: non-coding transcript variant (5).
Genome position (GRCh38, 1-based): chr22:31,797,631, T>A. VCF-style: chr22-31797631-T-A. GRCh37 (hg19) VCF-style: chr22-32193617-T-A.
Other names: c.799T>A, p.Trp267Arg (NM_001007188.4, NM_001136029.4, NM_001242897.2 and 7 more transcripts); c.715T>A, p.Trp239Arg (NM_001369901.1, NM_001369902.1); short protein forms W239R, W267R.
Identifiers: ClinVar variation 2506685 (VCV002506685.1), dbSNP rs2518736030, ClinGen allele CA411290569.
Genomic context (GRCh38, chr22:31,797,631, plus strand): 5'-TATCCATTTTATGATAATACTCTTTTCAGAGTGGTGGTGCAGAATGAGAGAAGAGAAGAA[T>A]GGACTTCACTTCTCGTAACCATTAAAAAACTCTTCATCCAGTATCCAGTGTTGGTGCGAC-3'
Protein context (NP_001229825.1, residues 257-277): VVVQNERREE[Trp267Arg]TSLLVTIKKL